The following is an entry in ClinVar:

ClinVar aggregate classification (germline): Uncertain significance (1 of 4 stars; one submission).

Submission:

Labcorp Genetics (formerly Invitae), Labcorp
Classification: Uncertain significance. Last evaluated: 2025-09-05. Review status: criteria provided, single submitter. Criteria: Invitae Variant Classification Sherloc (09022015). Collection method: clinical testing. Allele origin: germline.
Comment: This sequence change replaces glutamine, which is neutral and polar, with histidine, which is basic and polar, at codon 814 of the ZNF687 protein (p.Gln814His). This variant is not present in population databases (gnomAD no frequency). This variant has not been reported in the literature in individuals affected with ZNF687-related conditions. An algorithm developed to predict the effect of missense changes on protein structure and function (PolyPhen-2) suggests that this variant is likely to be disruptive. In summary, the available evidence is currently insufficient to determine the role of this variant in disease. Therefore, it has been classified as a Variant of Uncertain Significance.

NM_020832.3(ZNF687):c.2442G>T (p.Gln814His)

Gene: ZNF687 (zinc finger protein 687; plus strand). Cytogenetic location: 1q21.3.
Variant type: single nucleotide variant.
Coding change: c.2442G>T on transcript NM_020832.3 (MANE Select); coding-DNA position 2442, G replaced by T.
Protein change: p.Gln814His; replaces glutamine 814 with histidine.
Molecular consequence: missense variant.
Genome position (GRCh38, 1-based): chr1:151,289,242, G>T. VCF-style: chr1-151289242-G-T. GRCh37 (hg19) VCF-style: chr1-151261718-G-T.
Other names: c.2442G>T, p.Gln814His (NM_001304763.2, NM_001304764.2); short protein forms Q814H.
Identifiers: ClinVar variation 4770132 (VCV004770132.1).
Genomic context (GRCh38, chr1:151,289,242, plus strand): 5'-CCCCATCTGCCCCATGGCCTTCAAGTCTGGGCCAAGTGCCCATGCCCACCTCTACTCCCA[G>T]CATCCCAGCTTCCAAACTCAGCAGGCCAAGTGAGGCCCGGGGGAGGGCCGGGCTGGGCCA-3'
Protein context (NP_065883.1, residues 804-824): GPSAHAHLYS[Gln814His]HPSFQTQQAK